The following is an entry in ClinVar:

ClinVar aggregate classification (germline): Likely benign. Review status: criteria provided, multiple submitters, no conflicts (2 of 4 stars). 2 submissions from 2 submitters: Likely benign (2). Last evaluated 2026-03-10.

Conditions:
Nephronophthisis 15 (NPHP15). Identifiers: Orphanet 3156, MedGen C3541853, MONDO:0013917, OMIM 614845.
CEP164-related disorder. Also called: CEP164-related condition.

Allele frequency attached by ClinVar (database versions not stated): gnomAD exomes below 0.00001 and 0.00001; TOPMed below 0.00001; ExAC 0.00004.
gnomAD v4.1: 2 of 1,584,004 alleles (0.00013%); highest among the groups gnomAD compares: East Asian, 0.0046%; no homozygotes.

Submissions (2):

PreventionGenetics, part of Exact Sciences
Classification: Likely benign for CEP164-related condition. Last evaluated: 2026-03-10. Review status: criteria provided, single submitter. Criteria: ACMG Guidelines, 2015. Collection method: clinical testing. Allele origin: germline.
Comment: This variant is classified as likely benign based on ACMG/AMP sequence variant interpretation guidelines (Richards et al. 2015 PMID: 25741868, with internal and published modifications).

Labcorp Genetics (formerly Invitae), Labcorp
Classification: Likely benign for Nephronophthisis 15. Last evaluated: 2022-09-27. Review status: criteria provided, single submitter. Criteria: Invitae Variant Classification Sherloc (09022015). Collection method: clinical testing. Allele origin: germline.

NM_014956.5(CEP164):c.1409+17G>T

Gene: CEP164 (centrosomal protein 164; plus strand). Cytogenetic location: 11q23.3.
Variant type: single nucleotide variant.
Coding change: c.1409+17G>T on transcript NM_014956.5 (MANE Select); 17 bases into the intron after coding-DNA position 1409, G replaced by T.
Molecular consequence: intron variant.
Genome position (GRCh38, 1-based): chr11:117,380,722, G>T. VCF-style: chr11-117380722-G-T. GRCh37 (hg19) VCF-style: chr11-117251438-G-T.
Other names: c.1418+8G>T (NM_001271933.2, NM_001271933.1).
Identifiers: ClinVar variation 1618258 (VCV001618258.9), dbSNP rs773833785, ClinGen allele CA6294733.